The following is an entry in ClinVar:

ClinVar aggregate classification (germline): Uncertain significance (1 of 4 stars; one submission).

Allele frequency attached by ClinVar (database versions not stated): gnomAD exomes below 0.00001; TOPMed below 0.00001; gnomAD 0.00001.
gnomAD v4.1: 5 of 1,552,536 alleles (0.00032%); highest among the groups gnomAD compares: Non-Finnish European, 0.00044%; no homozygotes.

Submission:

Labcorp Genetics (formerly Invitae), Labcorp
Classification: Uncertain significance. Last evaluated: 2025-10-20. Review status: criteria provided, single submitter. Criteria: Invitae Variant Classification Sherloc (09022015). Collection method: clinical testing. Allele origin: germline.
Comment: This sequence change replaces aspartic acid, which is acidic and polar, with tyrosine, which is neutral and polar, at codon 1380 of the TOP2B protein (p.Asp1380Tyr). This variant is present in population databases (rs750206462, gnomAD 0.001%). This variant has not been reported in the literature in individuals affected with TOP2B-related conditions. ClinVar contains an entry for this variant (Variation ID: 1906285). An algorithm developed to predict the effect of missense changes on protein structure and function (PolyPhen-2) suggests that this variant is likely to be tolerated. In summary, the available evidence is currently insufficient to determine the role of this variant in disease. Therefore, it has been classified as a Variant of Uncertain Significance.

NM_001330700.2(TOP2B):c.4153G>T (p.Asp1385Tyr)

Gene: TOP2B (DNA topoisomerase II beta; minus strand). Cytogenetic location: 3p24.2.
Variant type: single nucleotide variant.
Coding change: c.4153G>T on transcript NM_001330700.2 (MANE Select); coding-DNA position 4153, G replaced by T.
Protein change: p.Asp1385Tyr; replaces aspartic acid 1385 with tyrosine.
Molecular consequence: missense variant.
Genome position (GRCh38, 1-based): chr3:25,607,316, C>A on the plus strand (G>T on the coding strand, the complement: TOP2B is on the minus strand). VCF-style: chr3-25607316-C-A. GRCh37 (hg19) VCF-style: chr3-25648807-C-A.
Other names: c.4138G>T, p.Asp1380Tyr (NM_001068.3); short protein forms D1385Y, D1380Y.
Identifiers: ClinVar variation 1906285 (VCV001906285.5), dbSNP rs750206462, ClinGen allele CA2288153.